The following is an entry in ClinVar:

NM_000553.6(WRN):c.1341G>T (p.Glu447Asp)

Gene: WRN (WRN RecQ like helicase; plus strand). Cytogenetic location: 8p12.
Variant type: single nucleotide variant.
Coding change: c.1341G>T on transcript NM_000553.6 (MANE Select); coding-DNA position 1341, G replaced by T.
Protein change: p.Glu447Asp; replaces glutamic acid 447 with aspartic acid.
Molecular consequence: missense variant.
Genome position (GRCh38, 1-based): chr8:31,083,770, G>T. VCF-style: chr8-31083770-G-T. GRCh37 (hg19) VCF-style: chr8-30941286-G-T.
Other names: short protein forms E447D.
Identifiers: ClinVar variation 2163735 (VCV002163735.4), dbSNP rs200380997, ClinGen allele CA370922882.

ClinVar aggregate classification (germline): Uncertain significance (1 of 4 stars; one submission).

Conditions:
Werner syndrome (WRN). Identifiers: Orphanet 902, MedGen C0043119, MONDO:0010196, OMIM 277700.

Submission:

Labcorp Genetics (formerly Invitae), Labcorp
Classification: Uncertain significance for Werner syndrome. Last evaluated: 2022-04-15. Review status: criteria provided, single submitter. Criteria: Invitae Variant Classification Sherloc (09022015). Collection method: clinical testing. Allele origin: germline.
Comment: In summary, the available evidence is currently insufficient to determine the role of this variant in disease. Therefore, it has been classified as a Variant of Uncertain Significance. Algorithms developed to predict the effect of missense changes on protein structure and function are either unavailable or do not agree on the potential impact of this missense change (SIFT: "Not Available"; PolyPhen-2: "Benign"; Align-GVGD: "Not Available"). This variant has not been reported in the literature in individuals affected with WRN-related conditions. This variant is not present in population databases (gnomAD no frequency). This sequence change replaces glutamic acid, which is acidic and polar, with aspartic acid, which is acidic and polar, at codon 447 of the WRN protein (p.Glu447Asp).